The following is an entry in ClinVar:

ClinVar aggregate classification (germline): Uncertain significance (1 of 4 stars; one submission).

Conditions:
Neuroblastoma, susceptibility to, 3. Also called: ALK-Related Neuroblastic Tumor Susceptibility. Identifiers: Orphanet 635, MedGen C2751681, MONDO:0013083, OMIM 613014.

Submission:

Labcorp Genetics (formerly Invitae), Labcorp
Classification: Uncertain significance for Neuroblastoma, susceptibility to, 3. Last evaluated: 2025-09-30. Review status: criteria provided, single submitter. Criteria: Invitae Variant Classification Sherloc (09022015). Collection method: clinical testing. Allele origin: germline.
Comment: This sequence change replaces isoleucine, which is neutral and non-polar, with methionine, which is neutral and non-polar, at codon 840 of the ALK protein (p.Ile840Met). This variant is not present in population databases (gnomAD no frequency). This variant has not been reported in the literature in individuals affected with ALK-related conditions. An algorithm developed to predict the effect of missense changes on protein structure and function (PolyPhen-2) suggests that this variant is likely to be disruptive. In summary, the available evidence is currently insufficient to determine the role of this variant in disease. Therefore, it has been classified as a Variant of Uncertain Significance.

NM_004304.5(ALK):c.2520T>G (p.Ile840Met)

Gene: ALK (ALK receptor tyrosine kinase; minus strand). Cytogenetic location: 2p23.2.
Variant type: single nucleotide variant.
Coding change: c.2520T>G on transcript NM_004304.5 (MANE Select); coding-DNA position 2520, T replaced by G.
Protein change: p.Ile840Met; replaces isoleucine 840 with methionine.
Molecular consequence: missense variant.
Genome position (GRCh38, 1-based): chr2:29,232,416, A>C on the plus strand (T>G on the coding strand, the complement: ALK is on the minus strand). VCF-style: chr2-29232416-A-C. GRCh37 (hg19) VCF-style: chr2-29455282-A-C.
Other names: short protein forms I840M.
Identifiers: ClinVar variation 4728146 (VCV004728146.1).